The following is an entry in ClinVar:

NM_001128.6(AP1G1):c.1621G>C (p.Val541Leu)

Gene: AP1G1 (adaptor related protein complex 1 subunit gamma 1; minus strand). Cytogenetic location: 16q22.2.
Variant type: single nucleotide variant.
Coding change: c.1621G>C on transcript NM_001128.6 (MANE Select); coding-DNA position 1621, G replaced by C.
Protein change: p.Val541Leu; replaces valine 541 with leucine.
Molecular consequence: missense variant.
Genome position (GRCh38, 1-based): chr16:71,748,255, C>G on the plus strand (G>C on the coding strand, the complement: AP1G1 is on the minus strand). VCF-style: chr16-71748255-C-G. GRCh37 (hg19) VCF-style: chr16-71782158-C-G.
Other names: p.Val541Leu; c.1630G>C, p.Val544Leu (NM_001030007.2); short protein forms V541L, V544L.
Identifiers: ClinVar variation 2683837 (VCV002683837.2), dbSNP rs747077165, ClinGen allele CA8156046.

ClinVar aggregate classification (germline): Uncertain significance (1 of 4 stars; one submission).

Conditions:
Usmani-Riazuddin syndrome, autosomal dominant (USRISD). Identifiers: MedGen C5561952, MONDO:0859174, OMIM 619467.

Allele frequency attached by ClinVar (database versions not stated): TOPMed below 0.00001; ExAC 0.00001; gnomAD 0.00001; gnomAD exomes 0.00001.
gnomAD v4.1: 6 of 1,613,092 alleles (0.00037%); highest among the groups gnomAD compares: South Asian, 0.0055%; 1 homozygote.

Submission:

Foundation for Research in Genetics and Endocrinology, FRIGE's Institute of Human Genetics
Classification: Uncertain significance for Usmani-Riazuddin syndrome, autosomal dominant. Last evaluated: 2023-12-25. Review status: criteria provided, single submitter. Criteria: ACMG Guidelines, 2015. Collection method: clinical testing. Allele origin: germline. Inheritance: Autosomal dominant inheritance. Affected: yes. Observed: 1 heterozygote.
Comment: A heterozygous missense variant in exon 16 of the AP1G1 gene that results in the amino acid substitution of Leucine for Valine at codon 541 was detected. This variant has not been reported in the 1000 genomes databases and has a minor allele frequency of 0.0006%, 0.0004% and 0.0003% in the gnomAD (v3.1), gnomdAD (v2.1) and topmed databases respectively. The in silico prediction of the variant is damaging by LRT. The reference codon is conserved across species. In summary, the variant meets our criteria to be classified as variant of uncertain significance.